The following is an entry in ClinVar:

NM_020433.5(JPH2):c.1951AAG[2] (p.Lys653del)

Gene: JPH2 (junctophilin 2; minus strand). Cytogenetic location: 20q13.12.
Variant type: Microsatellite.
Coding change: c.1951AAG[2] on transcript NM_020433.5 (MANE Select); two copies in a row of the 3-base unit AAG starting at c.1951; the reference has three copies in a row; one copy, 3 bases deleted; also written c.1957_1959del.
Protein change: p.Lys653del; deletes lysine 653.
Molecular consequence: inframe deletion.
Genome position (GRCh38, 1-based): chr20:44,115,716-44,115,718, CTT deleted on the plus strand (AAG on the coding strand, the reverse complement: JPH2 is on the minus strand); deleting any 3 consecutive bases within chr20:44,115,716-44,115,724 gives the same sequence; the position shown is the placement nearest the transcript's 3' end. VCF-style (leftmost placement, unchanged base first): chr20-44115715-CCTT-C. GRCh37 (hg19) VCF-style: chr20-42744355-CCTT-C.
Other names: c.1957_1959delAAG (NM_020433.4); c.1957_1959del (NM_020433.5); short protein forms K653del.
Identifiers: ClinVar variation 430124 (VCV000430124.16), dbSNP rs111666278, ClinGen allele CA9868557.

ClinVar aggregate classification (germline): Uncertain significance. Review status: criteria provided, multiple submitters, no conflicts (2 of 4 stars). 5 submissions from 5 submitters: Uncertain significance (5). Last evaluated 2026-07-13.

Conditions:
Cardiovascular phenotype. Identifiers: MedGen CN230736.
Cardiomyopathy, dilated, 2E. Identifiers: MedGen C5561970, MONDO:0030366, OMIM 619492.
Hypertrophic cardiomyopathy 17. Identifiers: MedGen C3151264, MONDO:0013474, OMIM 613873.
JPH2-related disorder. Also called: JPH2-related condition.
Hypertrophic cardiomyopathy. Also called: HYPERTROPHIC MYOCARDIOPATHY. Identifiers: Orphanet 217569, MedGen C0007194, MeSH D002312, MONDO:0005045, HP:0001639.

Submissions (5):

PreventionGenetics, part of Exact Sciences
Classification: Uncertain significance for JPH2-related condition. Last evaluated: 2026-07-13. Review status: criteria provided, single submitter. Criteria: ACMG Guidelines, 2015. Collection method: clinical testing. Allele origin: germline.
Comment: The JPH2 c.1957_1959delAAG variant is predicted to result in an in-frame deletion (p.Lys653del). To our knowledge, this variant has not been reported in the literature. This variant is reported in 0.032% of alleles in individuals of African descent in gnomAD. At this time, the clinical significance of this variant is uncertain due to the absence of conclusive functional and genetic evidence.

Labcorp Genetics (formerly Invitae), Labcorp
Classification: Uncertain significance for Hypertrophic cardiomyopathy. Last evaluated: 2026-01-25. Review status: criteria provided, single submitter. Criteria: Invitae Variant Classification Sherloc (09022015). Collection method: clinical testing. Allele origin: germline.
Comment: This variant, c.1957_1959del, results in the deletion of 1 amino acid(s) of the JPH2 protein (p.Lys653del), but otherwise preserves the integrity of the reading frame. This variant is present in population databases (rs111666278, gnomAD 0.03%). This variant has not been reported in the literature in individuals affected with JPH2-related conditions. ClinVar contains an entry for this variant (Variation ID: 430124). Experimental studies and prediction algorithms are not available or were not evaluated, and the functional significance of this variant is currently unknown. In summary, the available evidence is currently insufficient to determine the role of this variant in disease. Therefore, it has been classified as a Variant of Uncertain Significance.

GeneDx
Classification: Uncertain significance. Last evaluated: 2025-12-19. Review status: criteria provided, single submitter. Criteria: GeneDx Variant Classification Process June 2021. Collection method: clinical testing. Allele origin: germline. Affected: yes.
Comment: In silico analysis supports a deleterious effect on protein structure/function; In-frame deletion of 1 amino acid in a non-repeat region; Has not been previously published as pathogenic or benign to our knowledge

Ambry Genetics
Classification: Uncertain significance for Cardiovascular phenotype. Last evaluated: 2025-06-12. Review status: criteria provided, single submitter. Criteria: Ambry Variant Classification Scheme 2023. Collection method: clinical testing. Allele origin: germline.
Comment: The c.1957_1959delAAG variant (also known as p.K653del) is located in coding exon 4 of the JPH2 gene. This variant results from an in-frame AAG deletion at nucleotide positions 1957 to 1959. This results in the in-frame deletion of a lysine at codon 653. This amino acid position is well conserved in available vertebrate species. In addition, this alteration is predicted to be inconclusive by in silico analysis (Choi Y et al. PLoS ONE. 2012; 7(10):e46688). Since supporting evidence is limited at this time, the clinical significance of this alteration remains unclear.

Fulgent Genetics
Classification: Uncertain significance for Hypertrophic cardiomyopathy 17; Cardiomyopathy, dilated, 2E. Last evaluated: 2021-11-22. Review status: criteria provided, single submitter. Criteria: ACMG Guidelines, 2015. Collection method: clinical testing. Allele origin: unknown.